The following is an entry in ClinVar:

ClinVar aggregate classification (germline): Uncertain significance (1 of 4 stars; one submission).

Submission:

Labcorp Genetics (formerly Invitae), Labcorp
Classification: Uncertain significance. Last evaluated: 2025-09-05. Review status: criteria provided, single submitter. Criteria: Invitae Variant Classification Sherloc (09022015). Collection method: clinical testing. Allele origin: germline.
Comment: This sequence change replaces aspartic acid, which is acidic and polar, with glycine, which is neutral and non-polar, at codon 1953 of the CACNA1E protein (p.Asp1953Gly). This variant is not present in population databases (gnomAD no frequency). This variant has not been reported in the literature in individuals affected with CACNA1E-related conditions. Invitae Evidence Modeling of protein sequence and biophysical properties (such as structural, functional, and spatial information, amino acid conservation, physicochemical variation, residue mobility, and thermodynamic stability) indicates that this missense variant is not expected to disrupt CACNA1E protein function with a negative predictive value of 95%. In summary, the available evidence is currently insufficient to determine the role of this variant in disease. Therefore, it has been classified as a Variant of Uncertain Significance.

NM_001205293.3(CACNA1E):c.5858A>G (p.Asp1953Gly)

Gene: CACNA1E (calcium voltage-gated channel subunit alpha1 E; plus strand). Cytogenetic location: 1q25.3.
Variant type: single nucleotide variant.
Coding change: c.5858A>G on transcript NM_001205293.3 (MANE Select); coding-DNA position 5858, A replaced by G.
Protein change: p.Asp1953Gly; replaces aspartic acid 1953 with glycine.
Molecular consequence: missense variant.
Genome position (GRCh38, 1-based): chr1:181,790,516, A>G. VCF-style: chr1-181790516-A-G. GRCh37 (hg19) VCF-style: chr1-181759652-A-G.
Other names: c.5858A>G, p.Asp1953Gly (NM_000721.4); c.5801A>G, p.Asp1934Gly (NM_001205294.2); short protein forms D1934G, D1953G.
Identifiers: ClinVar variation 4800007 (VCV004800007.1).